The following is an entry in ClinVar:

NM_153676.4(USH1C):c.497-3C>A

Gene: USH1C (USH1 protein network component harmonin; minus strand). Cytogenetic location: 11p15.1.
Variant type: single nucleotide variant.
Coding change: c.497-3C>A on transcript NM_153676.4 (MANE Select); 3 bases into the intron before coding-DNA position 497, C replaced by A.
Molecular consequence: intron variant.
Genome position (GRCh38, 1-based): chr11:17,527,043, G>T on the plus strand (C>A on the coding strand, the complement: USH1C is on the minus strand). VCF-style: chr11-17527043-G-T. GRCh37 (hg19) VCF-style: chr11-17548590-G-T.
Other names: c.497-3C>A (NM_001297764.2, NM_005709.4).
Identifiers: ClinVar variation 505102 (VCV000505102.15), dbSNP rs958295779, ClinGen allele CA218461365.

ClinVar aggregate classification (germline): Uncertain significance. Review status: criteria provided, multiple submitters, no conflicts (2 of 4 stars). 4 submissions from 4 submitters: Uncertain significance (3). 1 of the submissions does not count toward it. Last evaluated 2026-04-30.

Conditions:
Usher syndrome type 1C. Also called: USHER SYNDROME, TYPE I, ACADIAN VARIETY. Identifiers: Orphanet 231169, Orphanet 886, MedGen C1848604, MONDO:0010171, OMIM 276904.
Autosomal recessive nonsyndromic hearing loss 18A. Also called: DEAFNESS, AUTOSOMAL RECESSIVE 18; Deafness, autosomal recessive 18A. Identifiers: Orphanet 90636, MedGen C1865870, MONDO:0011192, OMIM 602092.

Allele frequency attached by ClinVar (database versions not stated): gnomAD 0.00001; gnomAD exomes 0.00002; TOPMed 0.00006.
gnomAD v4.1: 5 of 1,554,610 alleles (0.00032%); highest among the groups gnomAD compares: Admixed American, 0.0039%; no homozygotes.

Submissions (4):

Laboratory of Molecular, Cellular and Translation Genetics in Otolaryngology/ Lim32-hcfmusp, University of Sao Paulo School of Medicine Clinics Hospital
Classification: Uncertain significance for Autosomal recessive nonsyndromic hearing loss 18A. Last evaluated: 2026-04-30. Review status: criteria provided, single submitter. Criteria: ACMG Guidelines, 2015. Collection method: research. Allele origin: germline. Affected: yes.
Comment: NM_153676.4:c.497-3C>A. This variant has been classified as a variant of uncertain significance (VUS). It is rare in population databases (PM2_supporting), and in silico prediction tools support a deleterious effect on splicing (PP3). However, the available evidence is insufficient to support a causal role for this variant in the present proband as described in PMID: 42233699.

Labcorp Genetics (formerly Invitae), Labcorp
Classification: Uncertain significance. Last evaluated: 2022-05-20. Review status: criteria provided, single submitter. Criteria: Invitae Variant Classification Sherloc (09022015). Collection method: clinical testing. Allele origin: germline.
Comment: This sequence change falls in intron 5 of the USH1C gene. It does not directly change the encoded amino acid sequence of the USH1C protein. It affects a nucleotide within the consensus splice site. This variant is present in population databases (no rsID available, gnomAD 0.02%). This variant has not been reported in the literature in individuals affected with USH1C-related conditions. ClinVar contains an entry for this variant (Variation ID: 505102). Variants that disrupt the consensus splice site are a relatively common cause of aberrant splicing (PMID: 17576681, 9536098). Algorithms developed to predict the effect of sequence changes on RNA splicing suggest that this variant is not likely to affect RNA splicing. In summary, the available evidence is currently insufficient to determine the role of this variant in disease. Therefore, it has been classified as a Variant of Uncertain Significance.

Laboratory for Molecular Medicine, Mass General Brigham Personalized Medicine
Classification: Uncertain significance. Last evaluated: 2016-06-02. Review status: criteria provided, single submitter. Criteria: LMM Criteria. Collection method: clinical testing. Allele origin: germline. Observed: 1 variant allele.
Comment: The c.497-3C>A variant in USH1C has not been previously reported in individuals with hearing loss or Usher syndrome. Data from large population studies are insu fficient to assess the frequency of this variant in the general population. This variant is located in the 3' splice region. Computational tools suggest a possi ble impact to splicing. However, this information is not predictive enough to de termine pathogenicity. In summary, the clinical significance of the c.497-3C>A v ariant is uncertain.

Natera, Inc.
Classification: Uncertain significance for Usher syndrome type 1C. Last evaluated: 2019-11-11. Review status: no assertion criteria provided. Collection method: clinical testing. Allele origin: germline. Not counted in ClinVar's aggregate classification.

Literature cited by the submitters: PubMed 42233699 (cited by Laboratory of Molecular, Cellular and Translation Genetics in Otolaryngology/ Lim32-hcfmusp, University of Sao Paulo School of Medicine Clinics Hospital); PubMed 17576681 (cited by Labcorp Genetics (formerly Invitae), Labcorp); PubMed 9536098 (cited by Labcorp Genetics (formerly Invitae), Labcorp).